The following is an entry in ClinVar:

ClinVar aggregate classification (germline): Conflicting classifications of pathogenicity. Review status: criteria provided, conflicting classifications (1 of 4 stars). 2 submissions from 2 submitters: Uncertain significance (1); Likely benign (1). Last evaluated 2024-05-24.

Allele frequency attached by ClinVar (database versions not stated): gnomAD exomes 0.00004; TOPMed 0.00007; gnomAD 0.00010; ExAC 0.00011; ESP Exome Variant Server 0.00023.
gnomAD v4.1: 81 of 1,613,812 alleles (0.005%); highest among the groups gnomAD compares: Middle Eastern, 0.12%; no homozygotes.

Submissions (2):

Ambry Genetics
Classification: Likely benign. Last evaluated: 2024-05-24. Review status: criteria provided, single submitter. Criteria: Ambry Variant Classification Scheme 2023. Collection method: clinical testing. Allele origin: germline.

Labcorp Genetics (formerly Invitae), Labcorp
Classification: Uncertain significance. Last evaluated: 2024-01-10. Review status: criteria provided, single submitter. Criteria: Invitae Variant Classification Sherloc (09022015). Collection method: clinical testing. Allele origin: germline.
Comment: This sequence change replaces glycine, which is neutral and non-polar, with serine, which is neutral and polar, at codon 664 of the TMPRSS15 protein (p.Gly664Ser). This variant is present in population databases (rs139992374, gnomAD 0.01%). This variant has not been reported in the literature in individuals affected with TMPRSS15-related conditions. Algorithms developed to predict the effect of missense changes on protein structure and function output the following: SIFT: "Not Available"; PolyPhen-2: "Benign"; Align-GVGD: "Not Available". The serine amino acid residue is found in multiple mammalian species, which suggests that this missense change does not adversely affect protein function. In summary, the available evidence is currently insufficient to determine the role of this variant in disease. Therefore, it has been classified as a Variant of Uncertain Significance.

NM_002772.3(TMPRSS15):c.1990G>A (p.Gly664Ser)

Gene: TMPRSS15 (transmembrane serine protease 15; minus strand). Cytogenetic location: 21q21.1.
Variant type: single nucleotide variant.
Coding change: c.1990G>A on transcript NM_002772.3 (MANE Select); coding-DNA position 1990, G replaced by A.
Protein change: p.Gly664Ser; replaces glycine 664 with serine.
Molecular consequence: missense variant.
Genome position (GRCh38, 1-based): chr21:18,315,188, C>T on the plus strand (G>A on the coding strand, the complement: TMPRSS15 is on the minus strand). VCF-style: chr21-18315188-C-T. GRCh37 (hg19) VCF-style: chr21-19687505-C-T.
Other names: c.1990G>A (NM_002772.2); short protein forms G664S.
Identifiers: ClinVar variation 2723150 (VCV002723150.2), dbSNP rs139992374, ClinGen allele CA9984240.